The following is an entry in ClinVar:

NM_006031.6(PCNT):c.8528T>G (p.Leu2843Arg)

Gene: PCNT (pericentrin; plus strand). Cytogenetic location: 21q22.3.
Variant type: single nucleotide variant.
Coding change: c.8528T>G on transcript NM_006031.6 (MANE Select); coding-DNA position 8528, T replaced by G.
Protein change: p.Leu2843Arg; replaces leucine 2843 with arginine.
Molecular consequence: missense variant. On other transcripts: intron variant (1).
Genome position (GRCh38, 1-based): chr21:46,431,992, T>G. VCF-style: chr21-46431992-T-G. GRCh37 (hg19) VCF-style: chr21-47851906-T-G.
Other names: c.8160+14T>G (NM_001315529.2); short protein forms L2843R.
Identifiers: ClinVar variation 390123 (VCV000390123.4), dbSNP rs569737144, ClinGen allele CA10080984.
Genomic context (GRCh38, chr21:46,431,992, plus strand): 5'-AGGCTGAGGCTCAGAAGCACTGTGAGGCGCTCAGGAGAGAGAAGGAGGTAAGTGCCACAC[T>G]GAAGTCGACGGTGGAAGCCCTGCACACCCAAAAACGAGAGCTGAGATGCTCTCTGGAGAG-3'
Protein context (NP_006022.3, residues 2833-2853): LRREKEVSAT[Leu2843Arg]KSTVEALHTQ

ClinVar aggregate classification (germline): Conflicting classifications of pathogenicity. Review status: criteria provided, conflicting classifications (1 of 4 stars). 2 submissions from 2 submitters: Uncertain significance (1); Likely benign (1). Last evaluated 2026-06-22.

Conditions:
PCNT-related disorder. Also called: PCNT-related condition.

Allele frequency attached by ClinVar (database versions not stated): gnomAD exomes 0.00001 and 0.00003; TOPMed 0.00008; gnomAD 0.00015 and 0.00016; 1000 Genomes Project 30x 0.00016; 1000 Genomes Project 0.00020.
gnomAD v4.1: 38 of 1,613,866 alleles (0.0024%); highest among the groups gnomAD compares: African/African-American, 0.048%; no homozygotes.

Submissions (2):

PreventionGenetics, part of Exact Sciences
Classification: Uncertain significance for PCNT-related condition. Last evaluated: 2026-06-22. Review status: criteria provided, single submitter. Criteria: ACMG Guidelines, 2015. Collection method: clinical testing. Allele origin: germline.
Comment: The PCNT c.8528T>G variant is predicted to result in the amino acid substitution p.Leu2843Arg. To our knowledge, this variant has not been reported in the literature. This variant is reported in 0.036% of alleles in individuals of African descent in gnomAD and is classified as likely benign by a single lab in ClinVar (Variation ID: 390123). At this time, the clinical significance of this variant is uncertain due to the absence of conclusive functional and genetic evidence.

GeneDx
Classification: Likely benign. Last evaluated: 2016-10-19. Review status: criteria provided, single submitter. Criteria: GeneDx Variant Classification (06012015). Collection method: clinical testing. Allele origin: germline. Affected: yes.
Comment: This variant is considered likely benign or benign based on one or more of the following criteria: it is a conservative change, it occurs at a poorly conserved position in the protein, it is predicted to be benign by multiple in silico algorithms, and/or has population frequency not consistent with disease.